The following is an entry in ClinVar:

NM_002693.3(POLG):c.2496_2529del (p.Asp832fs)

Gene: POLG (DNA polymerase gamma, catalytic subunit; minus strand). Cytogenetic location: 15q26.1.
Variant type: Deletion.
Coding change: c.2496_2529del on transcript NM_002693.3 (MANE Select); coding-DNA positions 2496 to 2529, 34 bases deleted.
Protein change: p.Asp832fs; shifts the reading frame from aspartic acid 832.
Molecular consequence: frameshift variant.
Genome position (GRCh38, 1-based): chr15:89,321,805-89,321,838, 34 bases deleted; deleting any 34 consecutive bases within chr15:89,321,805-89,321,839 gives the same sequence; the c. name uses the placement nearest the transcript's 3' end. GRCh37 (hg19): chr15:89,865,037-89,865,070.
Other names: c.2496_2529del, p.Asp832fs (NM_001126131.2); short protein forms D832fs.
Identifiers: ClinVar variation 3723622 (VCV003723622.2).

ClinVar aggregate classification (germline): Pathogenic (1 of 4 stars; one submission).

Conditions:
Progressive sclerosing poliodystrophy (MTDPS4A). Also called: ALPERS PROGRESSIVE INFANTILE POLIODYSTROPHY; NEURONAL DEGENERATION OF CHILDHOOD WITH LIVER DISEASE, PROGRESSIVE; Alpers Syndrome; ALPERS DIFFUSE DEGENERATION OF CEREBRAL GRAY MATTER WITH HEPATIC CIRRHOSIS; Alpers-Huttenlocher Syndrome; Mitochondrial DNA depletion syndrome 4A (Alpers type). Identifiers: Orphanet 726, MedGen C0205710, MONDO:0008758, OMIM 203700.

Submission:

Labcorp Genetics (formerly Invitae), Labcorp
Classification: Pathogenic for Progressive sclerosing poliodystrophy. Last evaluated: 2024-10-24. Review status: criteria provided, single submitter. Criteria: Invitae Variant Classification Sherloc (09022015). Collection method: clinical testing. Allele origin: germline.
Comment: This sequence change creates a premature translational stop signal (p.Asp832Glufs*3) in the POLG gene. It is expected to result in an absent or disrupted protein product. Loss-of-function variants in POLG are known to be pathogenic (PMID: 18546365). This variant is not present in population databases (gnomAD no frequency). This variant has not been reported in the literature in individuals affected with POLG-related conditions. For these reasons, this variant has been classified as Pathogenic.

Literature cited by the submitters: PubMed 18546365.